The following is an entry in ClinVar:

NM_005591.4(MRE11):c.14A>G (p.Asp5Gly)

Gene: MRE11 (MRE11 double strand break repair nuclease; minus strand). Cytogenetic location: 11q21.
Variant type: single nucleotide variant.
Coding change: c.14A>G on transcript NM_005591.4 (MANE Select); coding-DNA position 14, A replaced by G.
Protein change: p.Asp5Gly; replaces aspartic acid 5 with glycine.
Molecular consequence: missense variant.
Genome position (GRCh38, 1-based): chr11:94,492,788, T>C on the plus strand (A>G on the coding strand, the complement: MRE11 is on the minus strand). VCF-style: chr11-94492788-T-C. GRCh37 (hg19) VCF-style: chr11-94225954-T-C.
Other names: c.14A>G, p.Asp5Gly (NM_001330347.2, NM_005590.4); short protein forms D5G.
Identifiers: ClinVar variation 3397892 (VCV003397892.1).

ClinVar aggregate classification (germline): Uncertain significance (1 of 4 stars; one submission).

Conditions:
Hereditary cancer-predisposing syndrome. Also called: Hereditary Cancer Syndrome; Tumor predisposition; Hereditary neoplastic syndrome; Neoplastic Syndromes, Hereditary. Identifiers: Orphanet 140162, MedGen C0027672, MeSH D009386, MONDO:0015356.

Submission:

Ambry Genetics
Classification: Uncertain significance for Hereditary cancer-predisposing syndrome. Last evaluated: 2024-11-23. Review status: criteria provided, single submitter. Criteria: Ambry Variant Classification Scheme 2023. Collection method: clinical testing. Allele origin: germline.
Comment: The p.D5G variant (also known as c.14A>G), located in coding exon 1 of the MRE11A gene, results from an A to G substitution at nucleotide position 14. The aspartic acid at codon 5 is replaced by glycine, an amino acid with similar properties. This amino acid position is conserved. In addition, this alteration is predicted to be tolerated by in silico analysis. Based on the available evidence, the clinical significance of this variant remains unclear.